The following is an entry in ClinVar:

NM_015570.4(AUTS2):c.2068C>A (p.Pro690Thr)

Gene: AUTS2 (activator of transcription and developmental regulator AUTS2; plus strand). Cytogenetic location: 7q11.22.
Variant type: single nucleotide variant.
Coding change: c.2068C>A on transcript NM_015570.4 (MANE Select); coding-DNA position 2068, C replaced by A.
Protein change: p.Pro690Thr; replaces proline 690 with threonine.
Molecular consequence: missense variant.
Genome position (GRCh38, 1-based): chr7:70,781,678, C>A. VCF-style: chr7-70781678-C-A. GRCh37 (hg19) VCF-style: chr7-70246664-C-A.
Other names: c.1996C>A, p.Pro666Thr (NM_001127231.3); short protein forms P666T, P690T.
Identifiers: ClinVar variation 2629452 (VCV002629452.2), dbSNP rs144926407, ClinGen allele CA367663133.

ClinVar aggregate classification (germline): Uncertain significance (0 of 4 stars; one submission).

Conditions:
AUTS2-related disorder. Also called: AUTS2-related condition.

Submission:

PreventionGenetics, part of Exact Sciences
Classification: Uncertain significance for AUTS2-related condition. Last evaluated: 2024-05-28. Review status: no assertion criteria provided. Collection method: clinical testing. Allele origin: germline.
Comment: The AUTS2 c.2068C>A variant is predicted to result in the amino acid substitution p.Pro690Thr. To our knowledge, this variant has not been reported in the literature or in a large population database, indicating this variant is rare. At this time, the clinical significance of this variant is uncertain due to the absence of conclusive functional and genetic evidence.